The following is an entry in ClinVar:

ClinVar aggregate classification (germline): Likely pathogenic (1 of 4 stars; one submission).

Submission:

GeneDx
Classification: Likely pathogenic. Last evaluated: 2017-12-15. Review status: criteria provided, single submitter. Criteria: GeneDx Variant Classification (06012015). Collection method: clinical testing. Allele origin: germline. Affected: yes.
Comment: A variant that is likely pathogenic has been identified in the PCDH19 gene. The c.311dupA variant has not been published as a pathogenic variant, nor has it been reported as a benign variant to our knowledge. The c.311dupAvariant causes a frameshift starting with codon Valine 105, changes this amino acid to a Glycine residue and creates apremature Stop codon at position 121 of the new reading frame, denoted p.Val105GlyfsX121. This variant is predicted to cause loss of normal protein function either through protein truncation or nonsense-mediated mRNAdecay. The c.311dupA variant is not observed in large population cohorts (Lek et al., 2016). Therefore, this variant is likely pathogenic; however, the possibility that it is benign cannot be excluded.

NM_001184880.2(PCDH19):c.311dup (p.Val105fs)

Gene: PCDH19 (protocadherin 19; minus strand). Cytogenetic location: Xq22.1.
Variant type: Duplication.
Coding change: c.311dup on transcript NM_001184880.2 (MANE Select); coding-DNA position 311, one base duplicated (A; older notation c.311dupA).
Protein change: p.Val105fs; shifts the reading frame from valine 105.
Molecular consequence: frameshift variant.
Genome position (GRCh38, 1-based): chrX:100,408,287, T duplicated on the plus strand (A on the coding strand, the reverse complement: PCDH19 is on the minus strand). VCF-style (leftmost placement, unchanged base first): chrX-100408286-C-CT. GRCh37 (hg19) VCF-style: chrX-99663284-C-CT.
Other names: c.311dup, p.Val105fs (NM_001105243.2, NM_020766.3); c.311dupA (NM_001184880.1); short protein forms V105fs.
Identifiers: ClinVar variation 503908 (VCV000503908.2), dbSNP rs1555985745, ClinGen allele CA658799827.